The following is an entry in ClinVar:

NM_003193.5(TBCE):c.739C>T (p.Pro247Ser)

Gene: TBCE (tubulin folding cofactor E; plus strand). Cytogenetic location: 1q42.3.
Variant type: single nucleotide variant.
Coding change: c.739C>T on transcript NM_003193.5 (MANE Select); coding-DNA position 739, C replaced by T.
Protein change: p.Pro247Ser; replaces proline 247 with serine.
Molecular consequence: missense variant.
Genome position (GRCh38, 1-based): chr1:235,435,746, C>T. VCF-style: chr1-235435746-C-T. GRCh37 (hg19) VCF-style: chr1-235599061-C-T.
Other names: c.739C>T, p.Pro247Ser (NM_001079515.3); c.892C>T, p.Pro298Ser (NM_001287801.2); c.400C>T, p.Pro134Ser (NM_001287802.2); short protein forms P134S, P247S, P298S.
Identifiers: ClinVar variation 4699492 (VCV004699492.1).
Genomic context (GRCh38, chr1:235,435,746, plus strand): 5'-TATCTTTGAAAACAATTAAGAGATAAATTCACGGTGAAAAAATTTTATTTTCCATACAGG[C>T]CAACAGATGTTCTCCAGACAGTCAAGTTATTAGATCTTTCCTCTAATCAATTAATTGATG-3'
Protein context (NP_003184.1, residues 237-257): ESNNIFISER[Pro247Ser]TDVLQTVKLL

ClinVar aggregate classification (germline): Uncertain significance (1 of 4 stars; one submission).

Submission:

Labcorp Genetics (formerly Invitae), Labcorp
Classification: Uncertain significance. Last evaluated: 2025-04-20. Review status: criteria provided, single submitter. Criteria: Invitae Variant Classification Sherloc (09022015). Collection method: clinical testing. Allele origin: germline.
Comment: This sequence change replaces proline, which is neutral and non-polar, with serine, which is neutral and polar, at codon 247 of the TBCE protein (p.Pro247Ser). This variant is present in population databases (rs763729563, gnomAD 0.003%). This variant has not been reported in the literature in individuals affected with TBCE-related conditions. An algorithm developed to predict the effect of missense changes on protein structure and function (PolyPhen-2) suggests that this variant is likely to be disruptive. In summary, the available evidence is currently insufficient to determine the role of this variant in disease. Therefore, it has been classified as a Variant of Uncertain Significance.